The following is an entry in ClinVar:

NM_001039213.4(CEACAM16):c.481G>A (p.Glu161Lys)

Genes: CEACAM16 (CEA cell adhesion molecule 16, tectorial membrane component; plus strand), CEACAM16-AS1 (CEACAM16, CEACAM19 and PVR antisense RNA 1; minus strand). Cytogenetic location: 19q13.32.
Variant type: single nucleotide variant.
Coding change: c.481G>A on transcript NM_001039213.4 (MANE Select); coding-DNA position 481, G replaced by A.
Protein change: p.Glu161Lys; replaces glutamic acid 161 with lysine.
Molecular consequence: missense variant.
Genome position (GRCh38, 1-based): chr19:44,704,116, G>A. VCF-style: chr19-44704116-G-A. GRCh37 (hg19) VCF-style: chr19-45207386-G-A.
Other names: short protein forms E161K.
Identifiers: ClinVar variation 4988873 (VCV004988873.1).

ClinVar aggregate classification (germline): Uncertain significance (1 of 4 stars; one submission).

Conditions:
CEACAM16-related disorder. Also called: CEACAM16-related condition.

gnomAD v4.1: 24 of 1,600,058 alleles (0.0015%); highest among the groups gnomAD compares: East Asian, 0.014%; no homozygotes.

Submission:

PreventionGenetics, part of Exact Sciences
Classification: Uncertain significance for CEACAM16-related condition. Last evaluated: 2025-06-08. Review status: criteria provided, single submitter. Criteria: ACMG Guidelines, 2015. Collection method: clinical testing. Allele origin: germline.
Comment: The CEACAM16 c.481G>A variant is predicted to result in the amino acid substitution p.Glu161Lys. To our knowledge, this variant has not been reported in the literature. This variant is reported in 0.011% of alleles in individuals of East Asian descent in gnomAD. At this time, the clinical significance of this variant is uncertain due to the absence of conclusive functional and genetic evidence.